The following is an entry in ClinVar:

NM_004715.5(CTDP1):c.28C>T (p.Pro10Ser)

Gene: CTDP1 (CTD phosphatase subunit 1; plus strand). Cytogenetic location: 18q23.
Variant type: single nucleotide variant.
Coding change: c.28C>T on transcript NM_004715.5 (MANE Select); coding-DNA position 28, C replaced by T.
Protein change: p.Pro10Ser; replaces proline 10 with serine.
Molecular consequence: missense variant.
Genome position (GRCh38, 1-based): chr18:79,679,975, C>T. VCF-style: chr18-79679975-C-T. GRCh37 (hg19) VCF-style: chr18-77439975-C-T.
Other names: c.28C>T, p.Pro10Ser (NM_001318511.2, NM_048368.4); short protein forms P10S.
Identifiers: ClinVar variation 1504142 (VCV001504142.3), dbSNP rs1055392587, ClinGen allele CA303773906.

ClinVar aggregate classification (germline): Uncertain significance (1 of 4 stars; one submission).

Allele frequency attached by ClinVar (database versions not stated): TOPMed 0.00010; gnomAD 0.00015 and 0.00017; gnomAD exomes 0.00018.
gnomAD v4.1: 221 of 1,370,980 alleles (0.016%); highest among the groups gnomAD compares: Non-Finnish European, 0.019%; 1 homozygote.

Submission:

Labcorp Genetics (formerly Invitae), Labcorp
Classification: Uncertain significance. Last evaluated: 2022-10-13. Review status: criteria provided, single submitter. Criteria: Invitae Variant Classification Sherloc (09022015). Collection method: clinical testing. Allele origin: germline.
Comment: This sequence change replaces proline, which is neutral and non-polar, with serine, which is neutral and polar, at codon 10 of the CTDP1 protein (p.Pro10Ser). This variant is present in population databases (no rsID available, gnomAD 0.05%), including at least one homozygous and/or hemizygous individual. This variant has not been reported in the literature in individuals affected with CTDP1-related conditions. ClinVar contains an entry for this variant (Variation ID: 1504142). Algorithms developed to predict the effect of missense changes on protein structure and function output the following: SIFT: "Tolerated"; PolyPhen-2: "Benign"; Align-GVGD: "Class C0". The serine amino acid residue is found in multiple mammalian species, which suggests that this missense change does not adversely affect protein function. In summary, the available evidence is currently insufficient to determine the role of this variant in disease. Therefore, it has been classified as a Variant of Uncertain Significance.